The following is an entry in ClinVar:

ClinVar aggregate classification (germline): Uncertain significance (1 of 4 stars; one submission).

gnomAD v4.1: 1 of 1,590,990 alleles (0.000063%); no homozygotes.

Submission:

GeneDx
Classification: Uncertain significance. Last evaluated: 2023-10-24. Review status: criteria provided, single submitter. Criteria: GeneDx Variant Classification Process June 2021. Collection method: clinical testing. Allele origin: germline. Affected: yes.
Comment: Not observed at significant frequency in large population cohorts (gnomAD); In silico analysis supports that this missense variant does not alter protein structure/function; Has not been previously published as pathogenic or benign to our knowledge

NM_152743.4(BRAT1):c.1314G>T (p.Gln438His)

Gene: BRAT1 (BRCA1 associated ATM activator 1; minus strand). Cytogenetic location: 7p22.3.
Variant type: single nucleotide variant.
Coding change: c.1314G>T on transcript NM_152743.4 (MANE Select); coding-DNA position 1314, G replaced by T.
Protein change: p.Gln438His; replaces glutamine 438 with histidine.
Molecular consequence: missense variant. On other transcripts: non-coding transcript variant (1).
Genome position (GRCh38, 1-based): chr7:2,541,305, C>A on the plus strand (G>T on the coding strand, the complement: BRAT1 is on the minus strand). VCF-style: chr7-2541305-C-A. GRCh37 (hg19) VCF-style: chr7-2580939-C-A.
Other names: c.1314G>T, p.Gln438His (NM_001350626.2); c.789G>T, p.Gln263His (NM_001350627.2); short protein forms Q263H, Q438H.
Identifiers: ClinVar variation 3366257 (VCV003366257.1).